The following is an entry in ClinVar:

ClinVar aggregate classification (germline): Uncertain significance (1 of 4 stars; one submission).

Submission:

GeneDx
Classification: Uncertain significance. Last evaluated: 2023-07-20. Review status: criteria provided, single submitter. Criteria: GeneDx Variant Classification Process June 2021. Collection method: clinical testing. Allele origin: germline. Affected: yes.
Comment: Not observed at significant frequency in large population cohorts (gnomAD); In silico analysis supports that this missense variant has a deleterious effect on protein structure/function; Has not been previously published as pathogenic or benign to our knowledge

NM_004415.4(DSP):c.4253A>T (p.Gln1418Leu)

Gene: DSP (desmoplakin; plus strand). Cytogenetic location: 6p24.3.
Variant type: single nucleotide variant.
Coding change: c.4253A>T on transcript NM_004415.4 (MANE Select); coding-DNA position 4253, A replaced by T.
Protein change: p.Gln1418Leu; replaces glutamine 1418 with leucine.
Molecular consequence: missense variant. On other transcripts: intron variant (2).
Genome position (GRCh38, 1-based): chr6:7,580,443, A>T. VCF-style: chr6-7580443-A-T. GRCh37 (hg19) VCF-style: chr6-7580676-A-T.
Other names: c.4050+203A>T (NM_001319034.2); c.3582+671A>T (NM_001008844.3); short protein forms Q1418L.
Identifiers: ClinVar variation 3361448 (VCV003361448.1).
Genomic context (GRCh38, chr6:7,580,443, plus strand): 5'-TCACCCGAGAAAACAGGAGCTTATCTGAAGAAATAAAGAGGCTGAAGAACACTCTAACCC[A>T]GACCACAGAGAATCTCAGGAGGGTGGAAGAAGACATCCAACAGCAAAAGGCCACTGGCTC-3'
Protein context (NP_004406.2, residues 1408-1428): EIKRLKNTLT[Gln1418Leu]TTENLRRVEE